The following is an entry in ClinVar:

ClinVar aggregate classification (germline): Pathogenic (1 of 4 stars; one submission).

Conditions:
Familial cancer of breast. Also called: Hereditary breast cancer; BREAST CANCER, FAMILIAL; hereditary breast carcinoma. Identifiers: Orphanet 227535, MedGen C0346153, MONDO:0016419, OMIM 114480. Disease mechanism: loss of function.

Submission:

Myriad Genetics, Inc.
Classification: Pathogenic for Familial cancer of breast. Last evaluated: 2023-06-06. Review status: criteria provided, single submitter. Criteria: Myriad Autosomal Dominant, Autosomal Recessive and X-Linked Classification Criteria (2023). Collection method: clinical testing. Allele origin: unknown.
Comment: This variant is considered pathogenic. This variant creates a termination codon and is predicted to result in premature protein truncation.

NM_032043.3(BRIP1):c.2466delinsACA (p.Tyr822Ter)

Gene: BRIP1 (BRCA1 interacting DNA helicase 1; minus strand). Cytogenetic location: 17q23.2.
Variant type: Indel.
Coding change: c.2466delinsACA on transcript NM_032043.3 (MANE Select); coding-DNA position 2466, C replaced by ACA.
Protein change: p.Tyr822Ter; replaces tyrosine 822 with a stop codon.
Molecular consequence: nonsense.
Genome position (GRCh38, 1-based): chr17:61,715,977, G replaced by TGT on the plus strand (C replaced by ACA on the coding strand, the reverse complement: BRIP1 is on the minus strand). VCF-style: chr17-61715977-G-TGT. GRCh37 (hg19) VCF-style: chr17-59793338-G-TGT.
Other names: short protein forms Y822*.
Identifiers: ClinVar variation 2583560 (VCV002583560.2), dbSNP rs2544696439, ClinGen allele CA2582342200.